The following is an entry in ClinVar:

NM_001122630.2(CDKN1C):c.255G>C (p.Gln85His)

Gene: CDKN1C (cyclin dependent kinase inhibitor 1C; minus strand). Cytogenetic location: 11p15.4.
Variant type: single nucleotide variant.
Coding change: c.255G>C on transcript NM_001122630.2 (MANE Select); coding-DNA position 255, G replaced by C.
Protein change: p.Gln85His; replaces glutamine 85 with histidine.
Molecular consequence: missense variant.
Genome position (GRCh38, 1-based): chr11:2,885,202, C>G on the plus strand (G>C on the coding strand, the complement: CDKN1C is on the minus strand). VCF-style: chr11-2885202-C-G. GRCh37 (hg19) VCF-style: chr11-2906432-C-G.
Other names: c.288G>C, p.Gln96His (NM_000076.2, NM_001362474.2); c.255G>C, p.Gln85His (NM_001122631.2, NM_001362475.2); short protein forms Q96H, Q85H.
Identifiers: ClinVar variation 1462043 (VCV001462043.8), dbSNP rs1848968928, ClinGen allele CA379147069.

ClinVar aggregate classification (germline): Uncertain significance (1 of 4 stars; one submission).

Conditions:
Beckwith-Wiedemann syndrome (BWS). Also called: Exomphalos macroglossia gigantism syndrome; EMG SYNDROME. Identifiers: Orphanet 116, MedGen C0004903, MONDO:0007534, OMIM 130650.

Submission:

Labcorp Genetics (formerly Invitae), Labcorp
Classification: Uncertain significance for Beckwith-Wiedemann syndrome. Last evaluated: 2021-05-19. Review status: criteria provided, single submitter. Criteria: Invitae Variant Classification Sherloc (09022015). Collection method: clinical testing. Allele origin: germline.
Comment: In summary, the available evidence is currently insufficient to determine the role of this variant in disease. Therefore, it has been classified as a Variant of Uncertain Significance. Algorithms developed to predict the effect of missense changes on protein structure and function are either unavailable or do not agree on the potential impact of this missense change (SIFT: "Deleterious"; PolyPhen-2: "Benign"; Align-GVGD: "Class C0"). This variant has not been reported in the literature in individuals with CDKN1C-related conditions. The frequency data for this variant in the population databases is considered unreliable, as metrics indicate insufficient coverage at this position in the ExAC database. This sequence change replaces glutamine with histidine at codon 96 of the CDKN1C protein (p.Gln96His). The glutamine residue is highly conserved and there is a small physicochemical difference between glutamine and histidine.